The following is an entry in ClinVar:

NM_002334.4(LRP4):c.5178C>T (p.Tyr1726=)

Genes: LRP4 (LDL receptor related protein 4; minus strand), LRP4-AS1 (LRP4 antisense RNA 1; plus strand). Cytogenetic location: 11p11.2.
Variant type: single nucleotide variant.
Coding change: c.5178C>T on transcript NM_002334.4 (MANE Select); coding-DNA position 5178, C replaced by T.
Protein change: p.Tyr1726=; no amino-acid change (tyrosine 1726 retained).
Molecular consequence: synonymous variant.
Genome position (GRCh38, 1-based): chr11:46,864,513, G>A on the plus strand (C>T on the coding strand, the complement: LRP4 is on the minus strand). VCF-style: chr11-46864513-G-A. GRCh37 (hg19) VCF-style: chr11-46886064-G-A.
Identifiers: ClinVar variation 707181 (VCV000707181.13), dbSNP rs372105627, ClinGen allele CA5969116.
Genomic context (GRCh38, chr11:46,864,513, plus strand): 5'-CAGCATCAAAGCTGCAATCACCACCAAAATCAGCAGAATACTGAGGAGTCCACCAATGGC[G>A]TAGCTGATATGAAGTCCTTCCCCTAGGAAGAATAGAGAAACACTAGGCAGGGGCCACCGA-3'
Protein context (NP_002325.2, residues 1716-1736): AAPGEGLHIS[Tyr1726=]AIGGLLSILL

ClinVar aggregate classification (germline): Likely benign. Review status: criteria provided, single submitter (1 of 4 stars). 2 submissions from 2 submitters: Likely benign (1). 1 of the submissions does not count toward it. Last evaluated 2024-07-01.

Conditions:
LRP4-related disorder. Also called: LRP4-related condition.
Sclerosteosis 2 (SOST2). Identifiers: Orphanet 3152, MedGen C3280402, MONDO:0013679, OMIM 614305.
Cenani-Lenz syndactyly syndrome. Also called: SYNDACTYLY, TYPE VII; CENANI SYNDACTYLISM. Identifiers: Orphanet 3258, MedGen C1859309, MONDO:0008931, OMIM 212780.
Congenital myasthenic syndrome 17. Identifiers: Orphanet 590, MedGen C4225377, MONDO:0014578, OMIM 616304.

Allele frequency attached by ClinVar (database versions not stated): ESP Exome Variant Server 0.00008; gnomAD exomes 0.00008 and 0.00012; ExAC 0.00009; gnomAD 0.00011 and 0.00015; TOPMed 0.00014; 1000 Genomes Project 30x 0.00016; 1000 Genomes Project 0.00020.
gnomAD v4.1: 199 of 1,613,174 alleles (0.012%); highest among the groups gnomAD compares: East Asian, 0.23%; no homozygotes.

Submissions (2):

Labcorp Genetics (formerly Invitae), Labcorp
Classification: Likely benign for Cenani-Lenz syndactyly syndrome; Sclerosteosis 2; Congenital myasthenic syndrome 17. Last evaluated: 2024-07-01. Review status: criteria provided, single submitter. Criteria: Invitae Variant Classification Sherloc (09022015). Collection method: clinical testing. Allele origin: germline.

PreventionGenetics, part of Exact Sciences
Classification: Likely benign for LRP4-related condition. Last evaluated: 2019-11-20. Review status: no assertion criteria provided. Collection method: clinical testing. Allele origin: germline. Not counted in ClinVar's aggregate classification.
Comment: This variant is classified as likely benign based on ACMG/AMP sequence variant interpretation guidelines (Richards et al. 2015 PMID: 25741868, with internal and published modifications).